The following is an entry in ClinVar:

NM_004100.5(EYA4):c.115C>G (p.His39Asp)

Gene: EYA4 (EYA transcriptional coactivator and phosphatase 4; plus strand). Cytogenetic location: 6q23.2.
Variant type: single nucleotide variant.
Coding change: c.115C>G on transcript NM_004100.5 (MANE Select); coding-DNA position 115, C replaced by G.
Protein change: p.His39Asp; replaces histidine 39 with aspartic acid.
Molecular consequence: missense variant.
Genome position (GRCh38, 1-based): chr6:133,446,661, C>G. VCF-style: chr6-133446661-C-G. GRCh37 (hg19) VCF-style: chr6-133767799-C-G.
Other names: c.115C>G, p.His39Asp (NM_001301012.2, NM_001301013.2, NM_001370458.1 and 3 more transcripts); short protein forms H39D.
Identifiers: ClinVar variation 3638613 (VCV003638613.2).

ClinVar aggregate classification (germline): Uncertain significance (1 of 4 stars; one submission).

Conditions:
Dilated cardiomyopathy 1J (CMD1J). Also called: CARDIOMYOPATHY, DILATED, WITH SENSORINEURAL HEARING LOSS, AUTOSOMAL DOMINANT. Identifiers: Orphanet 217622, MedGen C1854368, MONDO:0011541, OMIM 605362.

Submission:

Labcorp Genetics (formerly Invitae), Labcorp
Classification: Uncertain significance for Dilated cardiomyopathy 1J. Last evaluated: 2024-02-03. Review status: criteria provided, single submitter. Criteria: Invitae Variant Classification Sherloc (09022015). Collection method: clinical testing. Allele origin: germline.
Comment: This sequence change replaces histidine, which is basic and polar, with aspartic acid, which is acidic and polar, at codon 39 of the EYA4 protein (p.His39Asp). This variant is not present in population databases (gnomAD no frequency). This variant has not been reported in the literature in individuals affected with EYA4-related conditions. An algorithm developed to predict the effect of missense changes on protein structure and function (PolyPhen-2) suggests that this variant is likely to be disruptive. In summary, the available evidence is currently insufficient to determine the role of this variant in disease. Therefore, it has been classified as a Variant of Uncertain Significance.